The following is an entry in ClinVar:

ClinVar aggregate classification (germline): Conflicting classifications of pathogenicity. Review status: criteria provided, conflicting classifications (1 of 4 stars). 4 submissions from 4 submitters: Uncertain significance (2); Likely benign (2). Last evaluated 2026-05-01.

Conditions:
Inborn genetic diseases. Identifiers: MedGen C0950123, MeSH D030342.
KBG syndrome (KBGS). Also called: ANKRD11-Related KBG Syndrome. Identifiers: Orphanet 2332, MedGen C0220687, MONDO:0007846, OMIM 148050.

Allele frequency attached by ClinVar (database versions not stated): gnomAD exomes 0.00001 and 0.00004; ExAC 0.00002; gnomAD 0.00002 and 0.00003; TOPMed 0.00007.
gnomAD v4.1: 24 of 1,614,078 alleles (0.0015%); highest among the groups gnomAD compares: Admixed American, 0.025%; no homozygotes.

Submissions (4):

CeGaT Center for Human Genetics Tuebingen
Classification: Likely benign. Last evaluated: 2026-05-01. Review status: criteria provided, single submitter. Criteria: CeGaT Center For Human Genetics Tuebingen Variant Classification Criteria Version 2. Collection method: clinical testing. Allele origin: germline. Affected: yes. Observed: 1 variant allele.
Comment: ANKRD11: BP4

Labcorp Genetics (formerly Invitae), Labcorp
Classification: Uncertain significance for KBG syndrome. Last evaluated: 2025-11-13. Review status: criteria provided, single submitter. Criteria: Invitae Variant Classification Sherloc (09022015). Collection method: clinical testing. Allele origin: germline.
Comment: This sequence change replaces arginine, which is basic and polar, with glycine, which is neutral and non-polar, at codon 910 of the ANKRD11 protein (p.Arg910Gly). This variant is present in population databases (rs763212052, gnomAD 0.02%). This variant has not been reported in the literature in individuals affected with ANKRD11-related conditions. ClinVar contains an entry for this variant (Variation ID: 1406986). Invitae Evidence Modeling of protein sequence and biophysical properties (such as structural, functional, and spatial information, amino acid conservation, physicochemical variation, residue mobility, and thermodynamic stability) indicates that this missense variant is not expected to disrupt ANKRD11 protein function with a negative predictive value of 95%. In summary, the available evidence is currently insufficient to determine the role of this variant in disease. Therefore, it has been classified as a Variant of Uncertain Significance.

Ambry Genetics
Classification: Likely benign for Inborn genetic diseases. Last evaluated: 2022-07-12. Review status: criteria provided, single submitter. Criteria: Ambry Variant Classification Scheme 2023. Collection method: clinical testing. Allele origin: germline.

Breakthrough Genomics
Classification: Uncertain significance. Review status: criteria provided, single submitter. Criteria: ACMG Guidelines, 2015. Collection method: not provided. Allele origin: germline. Inheritance: Autosomal dominant inheritance. Affected: yes.

NM_013275.6(ANKRD11):c.2728A>G (p.Arg910Gly)

Gene: ANKRD11 (ankyrin repeat domain 11; minus strand). Cytogenetic location: 16q24.3.
Variant type: single nucleotide variant.
Coding change: c.2728A>G on transcript NM_013275.6 (MANE Select); coding-DNA position 2728, A replaced by G.
Protein change: p.Arg910Gly; replaces arginine 910 with glycine.
Molecular consequence: missense variant.
Genome position (GRCh38, 1-based): chr16:89,283,814, T>C on the plus strand (A>G on the coding strand, the complement: ANKRD11 is on the minus strand). VCF-style: chr16-89283814-T-C. GRCh37 (hg19) VCF-style: chr16-89350222-T-C.
Other names: c.2728A>G, p.Arg910Gly (NM_001256182.2, NM_001256183.2); short protein forms R910G.
Identifiers: ClinVar variation 1406986 (VCV001406986.10), dbSNP rs763212052, ClinGen allele CA8242524.